The following is an entry in ClinVar:

NM_000135.4(FANCA):c.4358del (p.His1453fs)

Genes: FANCA (FA complementation group A; minus strand), ZNF276 (zinc finger protein 276; plus strand). Cytogenetic location: 16q24.3.
Variant type: Deletion.
Coding change: c.4358del on transcript NM_000135.4 (MANE Select); coding-DNA position 4358, one base deleted (A; older notation c.4358delA).
Protein change: p.His1453fs; shifts the reading frame from histidine 1453.
Molecular consequence: frameshift variant. On other transcripts: 3 prime UTR variant (3), non-coding transcript variant (4).
Genome position (GRCh38, 1-based): chr16:89,738,611, T deleted on the plus strand (A on the coding strand, the reverse complement: FANCA is on the minus strand). VCF-style (leftmost placement, unchanged base first): chr16-89738610-AT-A. GRCh37 (hg19) VCF-style: chr16-89805018-AT-A.
Other names: c.*87del (NM_001286167.3); c.*365del (NM_001113525.2, NM_152287.4); short protein forms H1453fs.
Identifiers: ClinVar variation 1392887 (VCV001392887.3), dbSNP rs2151709638, ClinGen allele CA2573152873.

ClinVar aggregate classification (germline): Uncertain significance (1 of 4 stars; one submission).

Conditions:
Fanconi anemia (FA). Also called: Fanconi's anemia. Identifiers: Orphanet 84, MedGen C0015625, MeSH D005199, MONDO:0019391.

Submission:

Labcorp Genetics (formerly Invitae), Labcorp
Classification: Uncertain significance for Fanconi anemia. Last evaluated: 2022-07-26. Review status: criteria provided, single submitter. Criteria: Invitae Variant Classification Sherloc (09022015). Collection method: clinical testing. Allele origin: germline.
Comment: This sequence change results in a frameshift in the FANCA gene (p.His1453Leufs*18). While this is not anticipated to result in nonsense mediated decay, it is expected to disrupt the last 3 amino acid(s) of the FANCA protein and extend the protein by 14 additional amino acid residues. This variant is not present in population databases (gnomAD no frequency). This variant has not been reported in the literature in individuals affected with FANCA-related conditions. ClinVar contains an entry for this variant (Variation ID: 1392887). Experimental studies and prediction algorithms are not available or were not evaluated, and the functional significance of this variant is currently unknown. In summary, the available evidence is currently insufficient to determine the role of this variant in disease. Therefore, it has been classified as a Variant of Uncertain Significance.